The following is an entry in ClinVar:

NM_000702.4(ATP1A2):c.2840+36G>A

Gene: ATP1A2 (ATPase Na+/K+ transporting subunit alpha 2; plus strand). Cytogenetic location: 1q23.2.
Variant type: single nucleotide variant.
Coding change: c.2840+36G>A on transcript NM_000702.4 (MANE Select); 36 bases into the intron after coding-DNA position 2840, G replaced by A.
Molecular consequence: intron variant.
Genome position (GRCh38, 1-based): chr1:160,137,067, G>A. VCF-style: chr1-160137067-G-A. GRCh37 (hg19) VCF-style: chr1-160106857-G-A.
Identifiers: ClinVar variation 673241 (VCV000673241.2), dbSNP rs111331208, ClinGen allele CA1194851.

ClinVar aggregate classification (germline): Likely benign. Review status: criteria provided, multiple submitters, no conflicts (2 of 4 stars). 2 submissions from 2 submitters: Likely benign (2). Last evaluated 2018-06-14.

Allele frequency attached by ClinVar (database versions not stated): 1000 Genomes Project 0.00399; 1000 Genomes Project 30x 0.00453; TOPMed 0.01250; gnomAD 0.01260 and 0.01293; ExAC 0.01362; gnomAD exomes 0.01387; ESP Exome Variant Server 0.01438.
gnomAD v4.1: 27,875 of 1,613,518 alleles (1.7%); highest among the groups gnomAD compares: Middle Eastern, 2.6%; 297 homozygotes.

Submissions (2):

GeneDx
Classification: Likely benign. Last evaluated: 2018-06-14. Review status: criteria provided, single submitter. Criteria: GeneDx Variant Classification (06012015). Collection method: clinical testing. Allele origin: germline. Affected: yes.
Comment: This variant is considered likely benign or benign based on one or more of the following criteria: it is a conservative change, it occurs at a poorly conserved position in the protein, it is predicted to be benign by multiple in silico algorithms, and/or has population frequency not consistent with disease.

Breakthrough Genomics
Classification: Likely benign. Review status: criteria provided, single submitter. Criteria: ACMG Guidelines, 2015. Collection method: not provided. Allele origin: germline. Inheritance: Autosomal recessive inheritance. Affected: yes.